The following is an entry in ClinVar:

NM_001382430.1(AKT1):c.1233C>T (p.Ile411=)

Gene: AKT1 (AKT serine/threonine kinase 1; minus strand). Cytogenetic location: 14q32.33.
Variant type: single nucleotide variant.
Coding change: c.1233C>T on transcript NM_001382430.1 (MANE Select); coding-DNA position 1233, C replaced by T.
Protein change: p.Ile411=; no amino-acid change (isoleucine 411 retained).
Molecular consequence: synonymous variant.
Genome position (GRCh38, 1-based): chr14:104,772,392, G>A on the plus strand (C>T on the coding strand, the complement: AKT1 is on the minus strand). VCF-style: chr14-104772392-G-A. GRCh37 (hg19) VCF-style: chr14-105238729-G-A.
Other names: c.1233C>T, p.Ile411= (NM_001014431.2, NM_001014432.2, NM_001382431.1 and 3 more transcripts).
Identifiers: ClinVar variation 240106 (VCV000240106.35), dbSNP rs375901448, ClinGen allele CA7374521.

ClinVar aggregate classification (germline): Likely benign. Review status: criteria provided, multiple submitters, no conflicts (2 of 4 stars). 3 submissions from 3 submitters: Likely benign (3). Last evaluated 2025-11-17.

Conditions:
Inborn genetic diseases. Identifiers: MedGen C0950123, MeSH D030342.
Cowden syndrome 6 (CWS6). Identifiers: Orphanet 201, MedGen C3554519, MONDO:0014048, OMIM 615109.

Allele frequency attached by ClinVar (database versions not stated): TOPMed 0.00005; ExAC 0.00006; gnomAD 0.00006; ESP Exome Variant Server 0.00008; gnomAD exomes 0.00010.
gnomAD v4.1: 161 of 1,613,788 alleles (0.01%); highest among the groups gnomAD compares: Non-Finnish European, 0.0091%; no homozygotes.

Submissions (3):

Labcorp Genetics (formerly Invitae), Labcorp
Classification: Likely benign for Cowden syndrome 6. Last evaluated: 2025-11-17. Review status: criteria provided, single submitter. Criteria: Invitae Variant Classification Sherloc (09022015). Collection method: clinical testing. Allele origin: germline.

CeGaT Center for Human Genetics Tuebingen
Classification: Likely benign. Last evaluated: 2024-01-01. Review status: criteria provided, single submitter. Criteria: CeGaT Center For Human Genetics Tuebingen Variant Classification Criteria Version 2. Collection method: clinical testing. Allele origin: germline. Affected: yes. Observed: 1 variant allele.
Comment: AKT1: BP4, BP7

Ambry Genetics
Classification: Likely benign for Inborn genetic diseases. Last evaluated: 2022-02-15. Review status: criteria provided, single submitter. Criteria: Ambry Variant Classification Scheme 2023. Collection method: clinical testing. Allele origin: germline.